The following is an entry in ClinVar:

NM_020822.3(KCNT1):c.5C>T (p.Pro2Leu)

Gene: KCNT1 (potassium sodium-activated channel subfamily T member 1; plus strand). Cytogenetic location: 9q34.3.
Variant type: single nucleotide variant.
Coding change: c.5C>T on transcript NM_020822.3 (MANE Select); coding-DNA position 5, C replaced by T.
Protein change: p.Pro2Leu; replaces proline 2 with leucine.
Molecular consequence: missense variant.
Genome position (GRCh38, 1-based): chr9:135,702,263, C>T. VCF-style: chr9-135702263-C-T. GRCh37 (hg19) VCF-style: chr9-138594109-C-T.
Other names: c.5C>T, p.Pro2Leu (NM_001272003.2); short protein forms P2L.
Identifiers: ClinVar variation 3753938 (VCV003753938.2).

ClinVar aggregate classification (germline): Uncertain significance (1 of 4 stars; one submission).

Conditions:
Autosomal dominant nocturnal frontal lobe epilepsy 5. Also called: KCNT1-Related Epilepsy; CILIARY DYSKINESIA, PRIMARY, 28, WITHOUT SITUS INVERSUS; CILIARY DYSKINESIA, PRIMARY, 28, WITH SITUS INVERSUS; Epilepsy, nocturnal frontal lobe, 5. Identifiers: Orphanet 98784, MedGen C3554306, MONDO:0014002, OMIM 615005.
Developmental and epileptic encephalopathy, 14 (DEE14). Also called: Early infantile epileptic encephalopathy 14. Identifiers: Orphanet 293181, MedGen C3554195, MONDO:0013989, OMIM 614959.

Submission:

Labcorp Genetics (formerly Invitae), Labcorp
Classification: Uncertain significance for Autosomal dominant nocturnal frontal lobe epilepsy 5; Developmental and epileptic encephalopathy, 14. Last evaluated: 2025-09-02. Review status: criteria provided, single submitter. Criteria: Invitae Variant Classification Sherloc (09022015). Collection method: clinical testing. Allele origin: germline.
Comment: This sequence change replaces proline, which is neutral and non-polar, with leucine, which is neutral and non-polar, at codon 2 of the KCNT1 protein (p.Pro2Leu). This variant is not present in population databases (gnomAD no frequency). This variant has not been reported in the literature in individuals affected with KCNT1-related conditions. ClinVar contains an entry for this variant (Variation ID: 3753938). Invitae Evidence Modeling of protein sequence and biophysical properties (such as structural, functional, and spatial information, amino acid conservation, physicochemical variation, residue mobility, and thermodynamic stability) indicates that this missense variant is not expected to disrupt KCNT1 protein function with a negative predictive value of 95%. In summary, the available evidence is currently insufficient to determine the role of this variant in disease. Therefore, it has been classified as a Variant of Uncertain Significance.